The following is an entry in ClinVar:

ClinVar aggregate classification (germline): Likely benign. Review status: criteria provided, single submitter (1 of 4 stars). 2 submissions from 2 submitters: Likely benign (1). 1 of the submissions does not count toward it. Last evaluated 2025-10-08.

Conditions:
PKD1-related disorder. Also called: PKD1-related condition.

gnomAD v4.1: 10 of 1,594,312 alleles (0.00063%); highest among the groups gnomAD compares: Admixed American, 0.015%; no homozygotes.

Submissions (2):

Mayo Clinic Laboratories, Mayo Clinic
Classification: Likely benign. Last evaluated: 2025-10-08. Review status: criteria provided, single submitter. Criteria: ACMG Guidelines, 2015. Collection method: clinical testing. Allele origin: germline. Observed: 2 variant alleles.
Comment: BP4, BP7, PM2_supporting

PreventionGenetics, part of Exact Sciences
Classification: Likely benign for PKD1-related condition. Last evaluated: 2022-03-19. Review status: no assertion criteria provided. Collection method: clinical testing. Allele origin: germline. Not counted in ClinVar's aggregate classification.
Comment: This variant is classified as likely benign based on ACMG/AMP sequence variant interpretation guidelines (Richards et al. 2015 PMID: 25741868, with internal and published modifications).

NM_001009944.3(PKD1):c.2454C>T (p.Val818=)

Gene: PKD1 (polycystin 1, transient receptor potential channel interacting; minus strand). Cytogenetic location: 16p13.3.
Variant type: single nucleotide variant.
Coding change: c.2454C>T on transcript NM_001009944.3 (MANE Select); coding-DNA position 2454, C replaced by T.
Protein change: p.Val818=; no amino-acid change (valine 818 retained).
Molecular consequence: synonymous variant.
Genome position (GRCh38, 1-based): chr16:2,114,569, G>A on the plus strand (C>T on the coding strand, the complement: PKD1 is on the minus strand). VCF-style: chr16-2114569-G-A. GRCh37 (hg19) VCF-style: chr16-2164570-G-A.
Other names: p.Val818=; c.2454C>T, p.Val818= (NM_000296.4).
Identifiers: ClinVar variation 3030418 (VCV003030418.3), dbSNP rs1260653228, ClinGen allele CA493049403.